The following is an entry in ClinVar:

NM_000133.4(F9):c.277G>A (p.Asp93Asn)

Gene: F9 (coagulation factor IX; plus strand). Cytogenetic location: Xq27.1.
Variant type: single nucleotide variant.
Coding change: c.277G>A on transcript NM_000133.4 (MANE Select); coding-DNA position 277, G replaced by A.
Protein change: p.Asp93Asn; replaces aspartic acid 93 with asparagine.
Molecular consequence: missense variant.
Genome position (GRCh38, 1-based): chrX:139,537,386, G>A. VCF-style: chrX-139537386-G-A. GRCh37 (hg19) VCF-style: chrX-138619545-G-A.
Other names: NM_000133.4(F9):c.277G>A; p.Asp93Asn; c.277G>A, p.Asp93Asn (NM_001313913.2); short protein forms D93N.
Identifiers: ClinVar variation 994410 (VCV000994410.8), dbSNP rs1286009187, ClinGen allele CA414436678.

ClinVar aggregate classification (germline): Pathogenic. Review status: reviewed by expert panel (3 of 4 stars). 2 submissions from 2 submitters: Pathogenic (1). 1 of the submissions does not count toward it. Last evaluated 2025-05-02.

Conditions:
Hereditary factor IX deficiency disease (HEMB). Also called: PLASMA THROMBOPLASTIN COMPONENT DEFICIENCY; Hemophilia B; Christmas Disease; F9 DEFICIENCY; FACTOR IX DEFICIENCY. Identifiers: Orphanet 98879, MedGen C0008533, MeSH D002836, MONDO:0010604, OMIM 306900.

Allele frequency attached by ClinVar (database versions not stated): TOPMed 0.00001.

Submissions (2):

ClinGen Coagulation Factor Deficiency Variant Curation Expert Panel, Clingen
Classification: Pathogenic for Hereditary factor IX deficiency disease. Last evaluated: 2025-05-02. Review status: reviewed by expert panel. Criteria: ClinGen CoagFactor ACMG Specifications F9 V1.0.0. Collection method: curation. Allele origin: germline. Inheritance: X-linked inheritance.
Comment: The NM_000133.4(F9):c.277G>A (p.Asp93Asn) variant is completely absent from gnomAD v2.1.1 and v3.1.2 meeting PM2_Supporting. At least 8 individuals with moderate-severe hemophilia B are found in the literature (PMIDs: 29296726, 11013449, 8091381, 22103590, 10698280, 2198809, 24656159) meeting criteria for PS4_Very strong. This missense variant has a REVEL score of 0.754 (>0.6), and the nucleotide is the last in exon 3 which SpliceAI predicts results in the loss of the splice donor of intron 3 (delta score of 0.93) meeting PP3. In summary, this variant meets criteria to be classified as pathogenic. ACMG/AMP criteria applied, as specified by the Coagulation Factor Deficiency Variant Curation Expert Panel for F9: PS4_Very strong, PP3, PM2_Supporting.

ARUP Laboratories, Molecular Genetics and Genomics, ARUP Laboratories
Classification: Pathogenic. Last evaluated: 2019-07-24. Review status: criteria provided, single submitter. Criteria: ARUP Molecular Germline Variant Investigation Process. Collection method: clinical testing. Allele origin: germline. Not counted in ClinVar's aggregate classification.
Comment: The F9 c.277G>A; p.Asp93Asn variant (rs1286009187), also known as 6702G>A; Asp47Asn, is published in the literature in several individuals with hemophilia B (Giannelli 1994, Li 2000, Miller 2012, Wulff 1999). This variant is absent from general population databases (Exome Variant Server, Genome Aggregation Database), indicating it is not a common polymorphism. The amino acid at codon 93 is highly conserved, and computational analyses (SIFT, PolyPhen-2) predict that this variant is deleterious. Additionally, this variant occurs in the last nucleotide of the exon, many exons have a conserved G nucleotide at this position, and computational algorithms predict this variant reduces the strength of the donor (Alamut v.2.11). In support of this prediction, a mini-gene splicing system with this variant results in skipping of this exon (Scalet 2019). Considering available information, this variant is classified is pathogenic. References: Giannelli F et al. Haemophilia B: database of point mutations and short additions and deletions, fifth edition, 1994. Nucleic Acids Res. 1994 Sep;22(17):3534-46. Li X et al. Factor IX mutations in South Africans and African Americans are compatible with primarily endogenous influences upon recent germline mutations. Hum Mutat. 2000 Oct;16(4):371. Miller CH et al. F8 and F9 mutations in US haemophilia patients: correlation with history of inhibitor and race/ethnicity. Haemophilia. 2012 May;18(3):375-82. Scalet D et al. Disease-causing variants of the conserved +2T of 5' splice sites can be rescued by engineered U1snRNAs. Hum Mutat. 2019 Jan;40(1):48-52. Wulff K et al. Molecular analysis of hemophilia B in Poland: 12 novel mutations of the factor IX gene. Acta Biochim Pol. 1999;46(3):721-6.